The following is an entry in ClinVar:

ClinVar aggregate classification (germline): Uncertain significance. Review status: criteria provided, multiple submitters, no conflicts (2 of 4 stars). 4 submissions from 4 submitters: Uncertain significance (4). Last evaluated 2024-08-31.

Conditions:
Skeletal overgrowth-craniofacial dysmorphism-hyperelastic skin-white matter lesions syndrome. Also called: SKELETAL OVERGROWTH WITH FACIAL DYSMORPHISM, HYPERELASTIC SKIN, WHITE MATTER LESIONS, AND NEUROLOGIC DETERIORATION; Kosaki overgrowth syndrome. Identifiers: Orphanet 477831, MedGen C4225270, MONDO:0014704, OMIM 616592.
Inborn genetic diseases. Identifiers: MedGen C0950123, MeSH D030342.
Infantile myofibromatosis (IMF). Also called: Congenital generalized fibromatosis. Identifiers: Orphanet 2591, MedGen C0432284, MONDO:0016824.
Acroosteolysis-keloid-like lesions-premature aging syndrome. Also called: Premature aging syndrome, Penttinen type; Prematurely aged appearance, delayed bone maturation, acro-osteolysis, and brachydactyly; Progeroid syndrome, Penttinen type. Identifiers: Orphanet 363665, MedGen C1866182, MONDO:0011150, OMIM 601812.
Basal ganglia calcification, idiopathic, 4 (PFBC4). Also called: Familial Idiopathic Basal Ganglia Calcification 4; PRIMARY FAMILIAL BRAIN CALCIFICATION 4, AUTOSOMAL DOMINANT. Identifiers: Orphanet 1980, MedGen C3554321, MONDO:0014004, OMIM 615007.

Allele frequency attached by ClinVar (database versions not stated): gnomAD exomes 0.00001; gnomAD 0.00003; TOPMed 0.00012.
gnomAD v4.1: 28 of 1,561,690 alleles (0.0018%); highest among the groups gnomAD compares: Admixed American, 0.027%; no homozygotes.

Submissions (4):

Labcorp Genetics (formerly Invitae), Labcorp
Classification: Uncertain significance for Basal ganglia calcification, idiopathic, 4; Skeletal overgrowth-craniofacial dysmorphism-hyperelastic skin-white matter lesions syndrome; Infantile myofibromatosis; Acroosteolysis-keloid-like lesions-premature aging syndrome. Last evaluated: 2024-08-31. Review status: criteria provided, single submitter. Criteria: Invitae Variant Classification Sherloc (09022015). Collection method: clinical testing. Allele origin: germline.
Comment: This sequence change replaces serine, which is neutral and polar, with proline, which is neutral and non-polar, at codon 1047 of the PDGFRB protein (p.Ser1047Pro). This variant is present in population databases (rs752920926, gnomAD 0.03%). This variant has not been reported in the literature in individuals affected with PDGFRB-related conditions. ClinVar contains an entry for this variant (Variation ID: 2057474). An algorithm developed to predict the effect of missense changes on protein structure and function (PolyPhen-2) suggests that this variant is likely to be disruptive. In summary, the available evidence is currently insufficient to determine the role of this variant in disease. Therefore, it has been classified as a Variant of Uncertain Significance.

Clinical Genomics Laboratory, Washington University in St. Louis
Classification: Uncertain significance for Skeletal overgrowth-craniofacial dysmorphism-hyperelastic skin-white matter lesions syndrome. Last evaluated: 2023-09-15. Review status: criteria provided, single submitter. Criteria: ACMG Guidelines, 2015. Collection method: clinical testing. Allele origin: germline.
Comment: The PDGFRB c.3139T>C (p.Ser1047Pro) variant was identified at a near-heterozygous allelic fraction. This variant, to our knowledge, has not been reported in the medical literature. This variant has been reported in the ClinVar database as a variant of uncertain significance by two submitters (ClinVar ID: 2057474). Computational predictors are uncertain as to the impact of this variant on the PDGFRB function. Due to limited information and based on ACMG/AMP guidelines for variant interpretation (Richards S et al., PMID: 25741868), the clinical significance of this variant is uncertain at this time.

Blueprint Genetics
Classification: Uncertain significance. Last evaluated: 2022-11-15. Review status: criteria provided, single submitter. Criteria: ACMG Guidelines, 2015. Collection method: clinical testing. Allele origin: germline.

Ambry Genetics
Classification: Uncertain significance for Inborn genetic diseases. Last evaluated: 2021-12-08. Review status: criteria provided, single submitter. Criteria: Ambry Variant Classification Scheme 2023. Collection method: clinical testing. Allele origin: germline.

NM_002609.4(PDGFRB):c.3139T>C (p.Ser1047Pro)

Gene: PDGFRB (platelet derived growth factor receptor beta; minus strand). Cytogenetic location: 5q32.
Variant type: single nucleotide variant.
Coding change: c.3139T>C on transcript NM_002609.4 (MANE Select); coding-DNA position 3139, T replaced by C.
Protein change: p.Ser1047Pro; replaces serine 1047 with proline.
Molecular consequence: missense variant.
Genome position (GRCh38, 1-based): chr5:150,115,945, A>G on the plus strand (T>C on the coding strand, the complement: PDGFRB is on the minus strand). VCF-style: chr5-150115945-A-G. GRCh37 (hg19) VCF-style: chr5-149495508-A-G.
Other names: c.2947T>C, p.Ser983Pro (NM_001355016.2); c.2656T>C, p.Ser886Pro (NM_001355017.2); short protein forms S1047P, S983P, S886P.
Identifiers: ClinVar variation 2057474 (VCV002057474.7), dbSNP rs752920926, ClinGen allele CA3507398.